The following is an entry in ClinVar:

ClinVar aggregate classification (germline): Likely benign. Review status: criteria provided, multiple submitters, no conflicts (2 of 4 stars). 2 submissions from 2 submitters: Likely benign (2). Last evaluated 2024-04-10.

Conditions:
Hypercholesterolemia, autosomal dominant, type B (FHCL2). Also called: Familial hypercholesterolemia 2; APOB-Related Familial Hypercholesterolemia, Autosomal Dominant; HYPERCHOLESTEROLEMIA, FAMILIAL, DUE TO LIGAND-DEFECTIVE APOLIPOPROTEIN B; Familial Hypercholesterolemia Type B; APOLIPOPROTEIN B-100, FAMILIAL DEFECTIVE; APOLIPOPROTEIN B-100, FAMILIAL LIGAND-DEFECTIVE. Identifiers: MedGen C1704417, MONDO:0007751, OMIM 144010.
Familial hypobetalipoproteinemia 1. Also called: Hypobetalipoproteinemia, normotriglyceridemic; Acanthocytosis with hypobetalipoproteinemia; APOB-Related Familial Hypobetalipoproteinemia. Identifiers: MedGen C4551990, MONDO:0014252, OMIM 615558.

Submissions (2):

Labcorp Genetics (formerly Invitae), Labcorp
Classification: Likely benign for Familial hypobetalipoproteinemia 1; Hypercholesterolemia, autosomal dominant, type B. Last evaluated: 2024-04-10. Review status: criteria provided, single submitter. Criteria: Invitae Variant Classification Sherloc (09022015). Collection method: clinical testing. Allele origin: germline.

CeGaT Center for Human Genetics Tuebingen
Classification: Likely benign. Last evaluated: 2022-08-01. Review status: criteria provided, single submitter. Criteria: CeGaT Center For Human Genetics Tuebingen Variant Classification Criteria Version 2. Collection method: clinical testing. Allele origin: germline. Affected: yes. Observed: 1 variant allele.
Comment: APOB: PM2:Supporting, BP4, BP7

NM_000384.3(APOB):c.726C>T (p.Ser242=)

Gene: APOB (apolipoprotein B; minus strand). Cytogenetic location: 2p24.1.
Variant type: single nucleotide variant.
Coding change: c.726C>T on transcript NM_000384.3 (MANE Select); coding-DNA position 726, C replaced by T.
Protein change: p.Ser242=; no amino-acid change (serine 242 retained).
Molecular consequence: synonymous variant.
Genome position (GRCh38, 1-based): chr2:21,035,676, G>A on the plus strand (C>T on the coding strand, the complement: APOB is on the minus strand). VCF-style: chr2-21035676-G-A. GRCh37 (hg19) VCF-style: chr2-21258548-G-A.
Identifiers: ClinVar variation 1711492 (VCV001711492.32), dbSNP rs1663985748, ClinGen allele CA425120239.